The following is an entry in ClinVar:

NM_024577.4(SH3TC2):c.1168G>T (p.Asp390Tyr)

Gene: SH3TC2 (SH3 domain and tetratricopeptide repeats 2; minus strand). Cytogenetic location: 5q32.
Variant type: single nucleotide variant.
Coding change: c.1168G>T on transcript NM_024577.4 (MANE Select); coding-DNA position 1168, G replaced by T.
Protein change: p.Asp390Tyr; replaces aspartic acid 390 with tyrosine.
Molecular consequence: missense variant.
Genome position (GRCh38, 1-based): chr5:149,028,686, C>A on the plus strand (G>T on the coding strand, the complement: SH3TC2 is on the minus strand). VCF-style: chr5-149028686-C-A. GRCh37 (hg19) VCF-style: chr5-148408249-C-A.
Other names: short protein forms D390Y.
Identifiers: ClinVar variation 917277 (VCV000917277.4), dbSNP rs771921298, ClinGen allele CA3499269.

ClinVar aggregate classification (germline): Uncertain significance. Review status: criteria provided, multiple submitters, no conflicts (2 of 4 stars). 3 submissions from 3 submitters: Uncertain significance (3). Last evaluated 2022-05-04.

Conditions:
Charcot-Marie-Tooth disease. Also called: Charcot-Marie-Tooth Hereditary Neuropathy; Charcot-Marie-Tooth Neuropathy. Identifiers: Orphanet 166, MedGen C0007959, MONDO:0015626.
Inborn genetic diseases. Identifiers: MedGen C0950123, MeSH D030342.

Allele frequency attached by ClinVar (database versions not stated): TOPMed below 0.00001; gnomAD exomes 0.00001; ExAC 0.00002; gnomAD 0.00004 and 0.00005.

Submissions (3):

Athena Diagnostics
Classification: Uncertain significance. Last evaluated: 2022-05-04. Review status: criteria provided, single submitter. Criteria: Athena Diagnostics Criteria. Collection method: clinical testing. Allele origin: unknown.

Ambry Genetics
Classification: Uncertain significance for Inborn genetic diseases. Last evaluated: 2021-09-22. Review status: criteria provided, single submitter. Criteria: Ambry Variant Classification Scheme 2023. Collection method: clinical testing. Allele origin: germline.
Comment: The p.D390Y variant (also known as c.1168G>T), located in coding exon 10 of the SH3TC2 gene, results from a G to T substitution at nucleotide position 1168. The aspartic acid at codon 390 is replaced by tyrosine, an amino acid with highly dissimilar properties. This amino acid position is highly conserved in available vertebrate species. In addition, the in silico prediction for this alteration is inconclusive. Since supporting evidence is limited at this time, the clinical significance of this alteration remains unclear.

Molecular Genetics Laboratory, London Health Sciences Centre
Classification: Uncertain significance for Charcot-Marie-Tooth disease. Review status: criteria provided, single submitter. Criteria: ACMG Guidelines, 2015. Collection method: clinical testing. Allele origin: germline. Affected: yes.

Literature cited by the submitters: PubMed 32376792 (cited by Athena Diagnostics).